The following is an entry in ClinVar:

NM_017780.4(CHD7):c.8741G>A (p.Gly2914Glu)

Gene: CHD7 (chromodomain helicase DNA binding protein 7; plus strand). Cytogenetic location: 8q12.2.
Variant type: single nucleotide variant.
Coding change: c.8741G>A on transcript NM_017780.4 (MANE Select); coding-DNA position 8741, G replaced by A.
Protein change: p.Gly2914Glu; replaces glycine 2914 with glutamic acid.
Molecular consequence: missense variant.
Genome position (GRCh38, 1-based): chr8:60,865,680, G>A. VCF-style: chr8-60865680-G-A. GRCh37 (hg19) VCF-style: chr8-61778239-G-A.
Other names: c.2594G>A, p.Gly865Glu (NM_001316690.1); short protein forms G2914E, G865E.
Identifiers: ClinVar variation 2658626 (VCV002658626.24), dbSNP rs2488152177, ClinGen allele CA371311412.

ClinVar aggregate classification (germline): Uncertain significance (1 of 4 stars; one submission).

Submission:

CeGaT Center for Human Genetics Tuebingen
Classification: Uncertain significance. Last evaluated: 2023-10-01. Review status: criteria provided, single submitter. Criteria: CeGaT Center For Human Genetics Tuebingen Variant Classification Criteria Version 2. Collection method: clinical testing. Allele origin: germline. Affected: yes. Observed: 1 variant allele.
Comment: CHD7: PM2, PP3